The following is an entry in ClinVar:

NM_000179.3(MSH6):c.2131_2135del (p.Pro711fs)

Gene: MSH6 (mutS homolog 6; plus strand). Cytogenetic location: 2p16.3.
Variant type: Deletion.
Coding change: c.2131_2135del on transcript NM_000179.3 (MANE Select); coding-DNA positions 2131 to 2135, 5 bases deleted (CCCTT; older notation c.2131_2135delCCCTT).
Protein change: p.Pro711fs; shifts the reading frame from proline 711.
Molecular consequence: frameshift variant.
Genome position (GRCh38, 1-based): chr2:47,800,114-47,800,118, CCCTT deleted; deleting any 5 consecutive bases within chr2:47,800,112-47,800,118 gives the same sequence; the c. name uses the placement nearest the transcript's 3' end. VCF-style (leftmost placement, unchanged base first): chr2-47800111-ATTCCC-A. GRCh37 (hg19) VCF-style: chr2-48027250-ATTCCC-A.
Other names: c.1741_1745del, p.Pro581fs (NM_001281492.2); c.1225_1229del, p.Pro409fs (NM_001281493.2, NM_001281494.2); c.2227_2231delCCCTT, p.Pro743Glyfs (NM_001406795.1, NM_001406802.1); c.2131_2135delCCCTT, p.Pro711Glyfs (NM_001406796.1, NM_001406798.1, NM_001406800.1 and 3 more transcripts); c.1834_1838delCCCTT, p.Pro612Glyfs (NM_001406797.1, NM_001406801.1, NM_001406805.1 and 10 more transcripts); c.1606_1610delCCCTT, p.Pro536Glyfs (NM_001406799.1, NM_001406806.1, NM_001406807.1); c.2053_2057delCCCTT, p.Pro685Glyfs (NM_001406804.1); c.1225_1229delCCCTT, p.Pro409Glyfs (NM_001406811.1, NM_001406812.1, NM_001406814.1 and 4 more transcripts); and 2 more; short protein forms P409fs, P711fs, P581fs.
Identifiers: ClinVar variation 1786405 (VCV001786405.2), dbSNP rs2530652357, ClinGen allele CA2580067760.

ClinVar aggregate classification (germline): Pathogenic (1 of 4 stars; one submission).

Conditions:
Hereditary cancer-predisposing syndrome. Also called: Neoplastic Syndromes, Hereditary; Tumor predisposition; Hereditary Cancer Syndrome; Hereditary neoplastic syndrome. Identifiers: Orphanet 140162, MedGen C0027672, MeSH D009386, MONDO:0015356.

Submission:

Ambry Genetics
Classification: Pathogenic for Hereditary cancer-predisposing syndrome. Last evaluated: 2020-05-26. Review status: criteria provided, single submitter. Criteria: Ambry Variant Classification Scheme 2023. Collection method: clinical testing. Allele origin: germline.
Comment: The c.2131_2135delCCCTT pathogenic mutation, located in coding exon 4 of the MSH6 gene, results from a deletion of 5 nucleotides at nucleotide positions 2131 to 2135, causing a translational frameshift with a predicted alternate stop codon (p.P711Gfs*3). This alteration is expected to result in loss of function by premature protein truncation or nonsense-mediated mRNA decay. As such, this alteration is interpreted as a disease-causing mutation.